The following is an entry in ClinVar:

NM_001354768.3(NRL):c.461G>A (p.Arg154His)

Gene: NRL (neural retina leucine zipper; minus strand). Cytogenetic location: 14q11.2.
Variant type: single nucleotide variant.
Coding change: c.461G>A on transcript NM_001354768.3 (MANE Select); coding-DNA position 461, G replaced by A.
Protein change: p.Arg154His; replaces arginine 154 with histidine.
Molecular consequence: missense variant.
Genome position (GRCh38, 1-based): chr14:24,081,489, C>T on the plus strand (G>A on the coding strand, the complement: NRL is on the minus strand). VCF-style: chr14-24081489-C-T. GRCh37 (hg19) VCF-style: chr14-24550698-C-T.
Other names: c.461G>A, p.Arg154His (NM_001354769.1, NM_006177.5); c.146G>A, p.Arg49His (NM_001354770.2); short protein forms R154H, R49H.
Identifiers: ClinVar variation 1485745 (VCV001485745.6), dbSNP rs765222059, ClinGen allele CA389278490.

ClinVar aggregate classification (germline): Uncertain significance (1 of 4 stars; one submission).

Submission:

Labcorp Genetics (formerly Invitae), Labcorp
Classification: Uncertain significance. Last evaluated: 2022-11-15. Review status: criteria provided, single submitter. Criteria: Invitae Variant Classification Sherloc (09022015). Collection method: clinical testing. Allele origin: germline.
Comment: This sequence change replaces arginine, which is basic and polar, with histidine, which is basic and polar, at codon 154 of the NRL protein (p.Arg154His). This variant is not present in population databases (gnomAD no frequency). In summary, the available evidence is currently insufficient to determine the role of this variant in disease. Therefore, it has been classified as a Variant of Uncertain Significance. Algorithms developed to predict the effect of missense changes on protein structure and function are either unavailable or do not agree on the potential impact of this missense change (SIFT: "Deleterious"; PolyPhen-2: "Possibly Damaging"; Align-GVGD: "Class C0"). ClinVar contains an entry for this variant (Variation ID: 1485745). This variant has not been reported in the literature in individuals affected with NRL-related conditions.